The following is an entry in ClinVar:

ClinVar aggregate classification (germline): Likely benign (0 of 4 stars; one submission).

Conditions:
KIAA0825-related disorder. Also called: KIAA0825-related condition.

Submission:

PreventionGenetics, part of Exact Sciences
Classification: Likely benign for KIAA0825-related condition. Last evaluated: 2022-06-04. Review status: no assertion criteria provided. Collection method: clinical testing. Allele origin: germline.
Comment: This variant is classified as likely benign based on ACMG/AMP sequence variant interpretation guidelines (Richards et al. 2015 PMID: 25741868, with internal and published modifications).

NM_001145678.3(KIAA0825):c.2203ACA[1] (p.Thr736del)

Gene: KIAA0825 (KIAA0825; minus strand). Cytogenetic location: 5q15.
Variant type: Microsatellite.
Coding change: c.2203ACA[1] on transcript NM_001145678.3 (MANE Select); one copy of the 3-base unit ACA starting at c.2203; the reference has two copies in a row; one copy, 3 bases deleted.
Protein change: p.Thr736del; deletes threonine 736.
Molecular consequence: non-coding transcript variant (on NR_169751.1).
Genome position (GRCh38, 1-based): chr5:94,462,425-94,462,427, TGT deleted on the plus strand (ACA on the coding strand, the reverse complement: KIAA0825 is on the minus strand); deleting any 3 consecutive bases within chr5:94,462,425-94,462,430 gives the same sequence; the position shown is the placement nearest the transcript's 3' end. VCF-style (leftmost placement, unchanged base first): chr5-94462424-ATGT-A. GRCh37 (hg19) VCF-style: chr5-93798129-ATGT-A.
Other names: c.2203ACA[1], p.Thr736del (NM_001385712.1, NM_001385713.1, NM_001388325.1); short protein forms T736del.
Identifiers: ClinVar variation 3045394 (VCV003045394.2), dbSNP rs771443192, ClinGen allele CA3344084.